The following is an entry in ClinVar:

ClinVar aggregate classification (germline): Likely benign (1 of 4 stars; one submission).

Allele frequency attached by ClinVar (database versions not stated): gnomAD exomes below 0.00001; ExAC 0.00001.
gnomAD v4.1: 2 of 1,211,893 alleles (0.00017%); highest among the groups gnomAD compares: Admixed American, 0.0022%; no homozygotes.

Submission:

CeGaT Center for Human Genetics Tuebingen
Classification: Likely benign. Last evaluated: 2024-02-01. Review status: criteria provided, single submitter. Criteria: CeGaT Center For Human Genetics Tuebingen Variant Classification Criteria Version 2. Collection method: clinical testing. Allele origin: germline. Affected: yes. Observed: 1 variant allele.
Comment: NEXMIF: BP4, BP7

NM_001008537.3(NEXMIF):c.3867C>T (p.Ser1289=)

Gene: NEXMIF (neurite extension and migration factor; minus strand). Cytogenetic location: Xq13.3.
Variant type: single nucleotide variant.
Coding change: c.3867C>T on transcript NM_001008537.3 (MANE Select); coding-DNA position 3867, C replaced by T.
Protein change: p.Ser1289=; no amino-acid change (serine 1289 retained).
Molecular consequence: synonymous variant.
Genome position (GRCh38, 1-based): chrX:74,740,690, G>A on the plus strand (C>T on the coding strand, the complement: NEXMIF is on the minus strand). VCF-style: chrX-74740690-G-A. GRCh37 (hg19) VCF-style: chrX-73960525-G-A.
Identifiers: ClinVar variation 3026204 (VCV003026204.22), dbSNP rs750003737, ClinGen allele CA10454897.